The following is an entry in ClinVar:

NM_001101677.2(SOHLH1):c.961C>T (p.Arg321Ter)

Gene: SOHLH1 (spermatogenesis and oogenesis specific basic helix-loop-helix 1; minus strand). Cytogenetic location: 9q34.3.
Variant type: single nucleotide variant.
Coding change: c.961C>T on transcript NM_001101677.2 (MANE Select); coding-DNA position 961, C replaced by T.
Protein change: p.Arg321Ter; replaces arginine 321 with a stop codon.
Molecular consequence: nonsense. On other transcripts: 3 prime UTR variant (1).
Genome position (GRCh38, 1-based): chr9:135,693,800, G>A on the plus strand (C>T on the coding strand, the complement: SOHLH1 is on the minus strand). VCF-style: chr9-135693800-G-A. GRCh37 (hg19) VCF-style: chr9-138585646-G-A.
Other names: c.*546C>T (NM_001012415.3); short protein forms R321*.
Identifiers: ClinVar variation 4850413 (VCV004850413.1).

ClinVar aggregate classification (germline): Likely pathogenic (1 of 4 stars; one submission).

Conditions:
Ovarian dysgenesis 5. Identifiers: MedGen C4540141, MONDO:0054666, OMIM 617690.

gnomAD v4.1: 25 of 1,573,176 alleles (0.0016%); highest among the groups gnomAD compares: African/African-American, 0.0027%; no homozygotes.

Submission:

First Genomix Gene Laboratory, Genetic Diagnostics Department
Classification: Likely pathogenic for Ovarian dysgenesis 5. Last evaluated: 2025-09-19. Review status: criteria provided, single submitter. Criteria: ACMG Guidelines, 2015. Collection method: clinical testing. Allele origin: germline. Inheritance: Autosomal recessive inheritance. Affected: no. Observed: 1 variant allele.